The following is an entry in ClinVar:

NM_001093.4(ACACB):c.7149G>A (p.Gln2383=)

Gene: ACACB (acetyl-CoA carboxylase beta; plus strand). Cytogenetic location: 12q24.11.
Variant type: single nucleotide variant.
Coding change: c.7149G>A on transcript NM_001093.4 (MANE Select); coding-DNA position 7149, G replaced by A.
Protein change: p.Gln2383=; no amino-acid change (glutamine 2383 retained).
Molecular consequence: synonymous variant.
Genome position (GRCh38, 1-based): chr12:109,265,424, G>A. VCF-style: chr12-109265424-G-A. GRCh37 (hg19) VCF-style: chr12-109703229-G-A.
Other names: c.7149G>A, p.Gln2383= (NM_001412734.1, NM_001412735.1); c.6543G>A, p.Gln2181= (NM_001412736.1); c.6522G>A, p.Gln2174= (NM_001412737.1); c.6354G>A, p.Gln2118= (NM_001412738.1).
Identifiers: ClinVar variation 3036681 (VCV003036681.2), dbSNP rs150235040, ClinGen allele CA6775378.

ClinVar aggregate classification (germline): Likely benign (0 of 4 stars; one submission).

Conditions:
ACACB-related disorder. Also called: ACACB-related condition.

Allele frequency attached by ClinVar (database versions not stated): ExAC 0.00008; gnomAD 0.00026; TOPMed 0.00034; ESP Exome Variant Server 0.00038; 1000 Genomes Project 30x 0.00062; 1000 Genomes Project 0.00080.
gnomAD v4.1: 83 of 1,613,758 alleles (0.0051%); highest among the groups gnomAD compares: African/African-American, 0.096%; no homozygotes.

Submission:

PreventionGenetics, part of Exact Sciences
Classification: Likely benign for ACACB-related condition. Last evaluated: 2020-07-27. Review status: no assertion criteria provided. Collection method: clinical testing. Allele origin: germline.
Comment: This variant is classified as likely benign based on ACMG/AMP sequence variant interpretation guidelines (Richards et al. 2015 PMID: 25741868, with internal and published modifications).